The following is an entry in ClinVar:

ClinVar aggregate classification (germline): Uncertain significance (1 of 4 stars; one submission).

Conditions:
Maple syrup urine disease (MSUD). Identifiers: Orphanet 511, MedGen C0024776, MeSH D008375, MONDO:0009563. Disease mechanism: loss of function.

Allele frequency attached by ClinVar (database versions not stated): gnomAD exomes 0.00001.
gnomAD v4.1: 12 of 1,611,458 alleles (0.00074%); highest among the groups gnomAD compares: Middle Eastern, 0.067%; no homozygotes.

Submission:

Labcorp Genetics (formerly Invitae), Labcorp
Classification: Uncertain significance for Maple syrup urine disease. Last evaluated: 2021-09-01. Review status: criteria provided, single submitter. Criteria: Invitae Variant Classification Sherloc (09022015). Collection method: clinical testing. Allele origin: germline.
Comment: This sequence change replaces lysine with methionine at codon 133 of the DBT protein (p.Lys133Met). The lysine residue is highly conserved and there is a moderate physicochemical difference between lysine and methionine. This variant is not present in population databases (ExAC no frequency). This variant has not been reported in the literature in individuals affected with DBT-related conditions. Algorithms developed to predict the effect of missense changes on protein structure and function are either unavailable or do not agree on the potential impact of this missense change (SIFT: "Deleterious"; PolyPhen-2: "Benign"; Align-GVGD: "Class C15"). In summary, the available evidence is currently insufficient to determine the role of this variant in disease. Therefore, it has been classified as a Variant of Uncertain Significance.

NM_001918.5(DBT):c.398A>T (p.Lys133Met)

Gene: DBT (dihydrolipoamide branched chain transacylase E2; minus strand). Cytogenetic location: 1p21.2.
Variant type: single nucleotide variant.
Coding change: c.398A>T on transcript NM_001918.5 (MANE Select); coding-DNA position 398, A replaced by T.
Protein change: p.Lys133Met; replaces lysine 133 with methionine.
Molecular consequence: missense variant. On other transcripts: 5 prime UTR variant (2), non-coding transcript variant (3).
Genome position (GRCh38, 1-based): chr1:100,230,768, T>A on the plus strand (A>T on the coding strand, the complement: DBT is on the minus strand). VCF-style: chr1-100230768-T-A. GRCh37 (hg19) VCF-style: chr1-100696324-T-A.
Other names: c.-146A>T (NM_001399969.1, NM_001399972.1); short protein forms K133M.
Identifiers: ClinVar variation 2153534 (VCV002153534.1), dbSNP rs1455876610, ClinGen allele CA341343750.